The following is an entry in ClinVar:

NM_145207.3(AFG2A):c.1147+4T>A

Gene: AFG2A (AAA ATPase AFG2A; plus strand). Cytogenetic location: 4q28.1.
Variant type: single nucleotide variant.
Coding change: c.1147+4T>A on transcript NM_145207.3 (MANE Select); 4 bases into the intron after coding-DNA position 1147, T replaced by A.
Molecular consequence: intron variant.
Genome position (GRCh38, 1-based): chr4:122,934,742, T>A. VCF-style: chr4-122934742-T-A. GRCh37 (hg19) VCF-style: chr4-123855897-T-A.
Other names: c.1144+4T>A (NM_001345856.2, NM_001317799.2).
Identifiers: ClinVar variation 2091428 (VCV002091428.3), dbSNP rs2476810736, ClinGen allele CA2580071465.

ClinVar aggregate classification (germline): Uncertain significance (1 of 4 stars; one submission).

Conditions:
Microcephaly-intellectual disability-sensorineural hearing loss-epilepsy-abnormal muscle tone syndrome (NEDHSB). Also called: NEURODEVELOPMENTAL DISORDER WITH HEARING LOSS, SEIZURES, AND BRAIN ABNORMALITIES. Identifiers: Orphanet 457351, MedGen C4225276, MONDO:0014698, OMIM 616577.

Submission:

Labcorp Genetics (formerly Invitae), Labcorp
Classification: Uncertain significance for Microcephaly-intellectual disability-sensorineural hearing loss-epilepsy-abnormal muscle tone syndrome. Last evaluated: 2022-02-11. Review status: criteria provided, single submitter. Criteria: Invitae Variant Classification Sherloc (09022015). Collection method: clinical testing. Allele origin: germline.
Comment: In summary, the available evidence is currently insufficient to determine the role of this variant in disease. Therefore, it has been classified as a Variant of Uncertain Significance. Variants that disrupt the consensus splice site are a relatively common cause of aberrant splicing (PMID: 17576681, 9536098). Algorithms developed to predict the effect of sequence changes on RNA splicing suggest that this variant may create or strengthen a splice site. This variant has not been reported in the literature in individuals affected with SPATA5-related conditions. This variant is not present in population databases (gnomAD no frequency). This sequence change falls in intron 5 of the SPATA5 gene. It does not directly change the encoded amino acid sequence of the SPATA5 protein. It affects a nucleotide within the consensus splice site.

Literature cited by the submitters: PubMed 17576681; PubMed 9536098.